The following is an entry in ClinVar:

ClinVar aggregate classification (germline): Likely benign (0 of 4 stars; one submission).

Conditions:
PLXNA1-related disorder. Also called: PLXNA1-related condition.

Allele frequency attached by ClinVar (database versions not stated): ExAC 0.00001; gnomAD 0.00001; gnomAD exomes 0.00001; TOPMed 0.00001.
gnomAD v4.1: 7 of 1,613,516 alleles (0.00043%); highest among the groups gnomAD compares: Admixed American, 0.012%; no homozygotes.

Submission:

PreventionGenetics, part of Exact Sciences
Classification: Likely benign for PLXNA1-related condition. Last evaluated: 2024-01-09. Review status: no assertion criteria provided. Collection method: clinical testing. Allele origin: germline.
Comment: This variant is classified as likely benign based on ACMG/AMP sequence variant interpretation guidelines (Richards et al. 2015 PMID: 25741868, with internal and published modifications).

NM_032242.4(PLXNA1):c.3182+7C>T

Gene: PLXNA1 (plexin A1; plus strand). Cytogenetic location: 3q21.3.
Variant type: single nucleotide variant.
Coding change: c.3182+7C>T on transcript NM_032242.4 (MANE Select); 7 bases into the intron after coding-DNA position 3182, C replaced by T.
Molecular consequence: intron variant.
Genome position (GRCh38, 1-based): chr3:127,016,691, C>T. VCF-style: chr3-127016691-C-T. GRCh37 (hg19) VCF-style: chr3-126735534-C-T.
Identifiers: ClinVar variation 3048832 (VCV003048832.2), dbSNP rs753336807, ClinGen allele CA2593914.